The following is an entry in ClinVar:

NM_004168.4(SDHA):c.734A>G (p.His245Arg)

Gene: SDHA (succinate dehydrogenase complex flavoprotein subunit A; plus strand). Cytogenetic location: 5p15.33.
Variant type: single nucleotide variant.
Coding change: c.734A>G on transcript NM_004168.4 (MANE Select); coding-DNA position 734, A replaced by G.
Protein change: p.His245Arg; replaces histidine 245 with arginine.
Molecular consequence: missense variant.
Genome position (GRCh38, 1-based): chr5:228,297, A>G. VCF-style: chr5-228297-A-G. GRCh37 (hg19) VCF-style: chr5-228412-A-G.
Other names: c.590A>G, p.His197Arg (NM_001294332.2); c.734A>G, p.His245Arg (NM_001330758.2); short protein forms H197R, H245R.
Identifiers: ClinVar variation 826981 (VCV000826981.12), dbSNP rs1579391515, ClinGen allele CA359011118.

ClinVar aggregate classification (germline): Uncertain significance. Review status: criteria provided, multiple submitters, no conflicts (2 of 4 stars). 2 submissions from 2 submitters: Uncertain significance (2). Last evaluated 2025-12-19.

Conditions:
Pheochromocytoma/paraganglioma syndrome 5. Also called: Paragangliomas 5; SDHA-Related Hereditary Paraganglioma-Pheochromocytoma Syndrome. Identifiers: Orphanet 29072, MedGen C3279992, MONDO:0013602, OMIM 614165.
Mitochondrial complex II deficiency, nuclear type 1. Also called: SUCCINATE CoQ REDUCTASE DEFICIENCY. Identifiers: Orphanet 3208, MedGen C5700310, MONDO:0100294, OMIM 252011.
Hereditary cancer-predisposing syndrome. Also called: Tumor predisposition; Hereditary neoplastic syndrome; Neoplastic Syndromes, Hereditary; Hereditary Cancer Syndrome. Identifiers: Orphanet 140162, MedGen C0027672, MeSH D009386, MONDO:0015356.

Allele frequency attached by ClinVar (database versions not stated): gnomAD exomes below 0.00001; TOPMed below 0.00001.
gnomAD v4.1: 2 of 1,614,028 alleles (0.00012%); highest among the groups gnomAD compares: Non-Finnish European, 0.00017%; no homozygotes.

Submissions (2):

Labcorp Genetics (formerly Invitae), Labcorp
Classification: Uncertain significance for Pheochromocytoma/paraganglioma syndrome 5; Mitochondrial complex II deficiency, nuclear type 1. Last evaluated: 2025-12-19. Review status: criteria provided, single submitter. Criteria: Invitae Variant Classification Sherloc (09022015). Collection method: clinical testing. Allele origin: germline.
Comment: This sequence change replaces histidine, which is basic and polar, with arginine, which is basic and polar, at codon 245 of the SDHA protein (p.His245Arg). This variant is not present in population databases (gnomAD no frequency). This variant has not been reported in the literature in individuals affected with SDHA-related conditions. ClinVar contains an entry for this variant (Variation ID: 826981). Invitae Evidence Modeling of protein sequence and biophysical properties (such as structural, functional, and spatial information, amino acid conservation, physicochemical variation, residue mobility, and thermodynamic stability) has been performed for this missense variant. However, the output from this modeling did not meet the statistical confidence thresholds required to predict the impact of this variant on SDHA protein function. In summary, the available evidence is currently insufficient to determine the role of this variant in disease. Therefore, it has been classified as a Variant of Uncertain Significance.

Ambry Genetics
Classification: Uncertain significance for Hereditary cancer-predisposing syndrome. Last evaluated: 2025-10-28. Review status: criteria provided, single submitter. Criteria: Ambry Variant Classification Scheme 2023. Collection method: clinical testing. Allele origin: germline.
Comment: The p.H245R variant (also known as c.734A>G), located in coding exon 6 of the SDHA gene, results from an A to G substitution at nucleotide position 734. The histidine at codon 245 is replaced by arginine, an amino acid with highly similar properties. This amino acid position is highly conserved in available vertebrate species. In addition, this alteration is predicted to be deleterious by in silico analysis. Since supporting evidence is limited at this time, the clinical significance of this alteration remains unclear.